The following is an entry in ClinVar:

NM_000430.4(PAFAH1B1):c.391A>G (p.Thr131Ala)

Gene: PAFAH1B1 (platelet activating factor acetylhydrolase 1b regulatory subunit 1; plus strand). Cytogenetic location: 17p13.3.
Variant type: single nucleotide variant.
Coding change: c.391A>G on transcript NM_000430.4 (MANE Select); coding-DNA position 391, A replaced by G.
Protein change: p.Thr131Ala; replaces threonine 131 with alanine.
Molecular consequence: missense variant.
Genome position (GRCh38, 1-based): chr17:2,667,190, A>G. VCF-style: chr17-2667190-A-G. GRCh37 (hg19) VCF-style: chr17-2570484-A-G.
Other names: short protein forms T131A.
Identifiers: ClinVar variation 3393662 (VCV003393662.1).

ClinVar aggregate classification (germline): Uncertain significance (1 of 4 stars; one submission).

Submission:

GeneDx
Classification: Uncertain significance. Last evaluated: 2024-07-01. Review status: criteria provided, single submitter. Criteria: GeneDx Variant Classification Process June 2021. Collection method: clinical testing. Allele origin: germline. Affected: yes.
Comment: Not observed at significant frequency in large population cohorts (gnomAD); In silico analysis supports that this missense variant has a deleterious effect on protein structure/function; Has not been previously published as pathogenic or benign to our knowledge